The following is an entry in ClinVar:

ClinVar aggregate classification (germline): Pathogenic. Review status: criteria provided, multiple submitters, no conflicts (2 of 4 stars). 15 submissions from 15 submitters: Pathogenic (13). 2 of the submissions do not count toward it. Last evaluated 2026-09-08.

Conditions:
GLA-related disorder. Also called: GLA-related condition.
Cardiovascular phenotype. Identifiers: MedGen CN230736.
Fabry disease. Also called: Ceramide trihexosidosis; Fabry's disease; HEREDITARY DYSTOPIC LIPIDOSIS; Angiokeratoma corporis diffusum; ALPHA-GALACTOSIDASE A DEFICIENCY; ANDERSON-FABRY DISEASE. Identifiers: Orphanet 324, MedGen C0002986, MONDO:0010526, OMIM 301500, HP:0001071. Disease mechanism: Fabry disease is due to inactivating mutations in the X-linked GLA gene resulting in deficiency of the enzyme Alpha Galactosidase-A., loss of function.

Submissions 1 to 10 of 15:

Genomenon, Inc
Classification: Pathogenic for Fabry disease. Last evaluated: 2026-09-08. Review status: criteria provided, single submitter. Criteria: Genomenon Sequence Variant Interpretation Standards - Updated. Collection method: curation. Allele origin: germline. Affected: yes.
Comment: GLA p.Arg112Cys (c.334C>T) is a missense variant that changes the amino acid at codon 112 from Arginine to Cysteine. This variant has been observed in at least one proband with clinical features consistent with Fabry disease (PMID:32719972;16595074;12175777;28736719;29274327;32843101;39348817;30386727;36383556;23867994). The variant was found to segregate with disease in at least one affected family (PMID:23867994;18297328;36140787;39348817;32843101;36383556;30386727;12668521;18849176). A de novo occurrence of this variant has been observed in at least one affected individual (PMID:16595074;18437007). At least one functional study has demonstrated a substantial alteration in protein function relative to the wild-type (PMID:32023956;21598360;20505683;27657681;23935525). It is absent or not present at a significant frequency in gnomAD. In silico models predict that this variant is possibly or probably damaging. In conclusion, we classify GLA p.Arg112Cys (c.334C>T) as a pathogenic variant.

Labcorp Genetics (formerly Invitae), Labcorp
Classification: Pathogenic for Fabry disease. Last evaluated: 2026-01-19. Review status: criteria provided, single submitter. Criteria: Invitae Variant Classification Sherloc (09022015). Collection method: clinical testing. Allele origin: germline.
Comment: This sequence change replaces arginine, which is basic and polar, with cysteine, which is neutral and slightly polar, at codon 112 of the GLA protein (p.Arg112Cys). This variant is not present in population databases (gnomAD no frequency). This missense change has been observed in individual(s) with Fabry disease (PMID: 1315715, 14635108, 18205205, 19287194, 21598360, 23935525). ClinVar contains an entry for this variant (Variation ID: 92550). Invitae Evidence Modeling of protein sequence and biophysical properties (such as structural, functional, and spatial information, amino acid conservation, physicochemical variation, residue mobility, and thermodynamic stability) indicates that this missense variant is expected to disrupt GLA protein function with a positive predictive value of 80%. Experimental studies have shown that this missense change affects GLA function (PMID: 1315715, 11137837, 14635108, 19287194, 21598360, 23935525, 26456105). This variant disrupts the p.Arg112 amino acid residue in GLA. Other variant(s) that disrupt this residue have been determined to be pathogenic (PMID: 1315715, 7575533, 11137837, 20505683, 22874111). This suggests that this residue is clinically significant, and that variants that disrupt this residue are likely to be disease-causing. For these reasons, this variant has been classified as Pathogenic.

3billion
Classification: Pathogenic for Fabry disease. Last evaluated: 2025-12-10. Review status: criteria provided, single submitter. Criteria: ACMG Guidelines, 2015. Collection method: clinical testing. Allele origin: germline. Affected: yes.
Comment: The variant is not observed in the gnomAD v4.1.0 dataset. Predicted Consequence/Location: Missense variant Functional studies provide moderate evidence of the variant having a damaging effect on the gene or gene product (PMID: 10666480, 12175777, 1315715, 14635108, 17532296, 18698230, 19287194, 19387866, 20505683, 21598360, 23935525, 27657681). In silico tool predictions suggest damaging effect of the variant on gene or gene product [REVEL: 0.93 (>=0.6, sensitivity 0.68 and specificity 0.92)]. The same nucleotide change resulting in the same amino acid change has been previously reported as pathogenic/likely pathogenic with strong evidence (ClinVar ID: VCV000092550 /PMID: 1315715). Different missense changes at the same codon (p.Arg112Gly, p.Arg112His, p.Arg112Leu, p.Arg112Ser) have been reported as pathogenic/likely pathogenic with strong evidence (ClinVar ID: VCV000092551, VCV000195028, VCV004081422, VCV004087341 /PMID: 15712228, 28337063, 7531540 /3billion dataset). Therefore, this variant is classified as Pathogenic according to the recommendation of ACMG/AMP guideline.

Revvity Omics, Revvity
Classification: Pathogenic. Last evaluated: 2025-07-21. Review status: criteria provided, single submitter. Criteria: ACMG Guidelines, 2015. Collection method: clinical testing. Allele origin: germline.

Color Diagnostics, LLC DBA Color Health
Classification: Pathogenic for Fabry disease. Last evaluated: 2025-07-07. Review status: criteria provided, single submitter. Criteria: ACMG Guidelines, 2015. Collection method: clinical testing. Allele origin: germline.
Comment: This missense variant replaces arginine with cysteine at codon 112 of the GLA protein. Computational prediction suggests that this variant may have a deleterious impact on protein structure and function. Multiple in-vitro functional studies have shown that this variant causes a significant reduction in GLA enzyme activity (PMID: 14635108, 19287194, 27657681). This variant has been reported in over twenty individuals affected with Fabry disease (PMID: 1315715, 12428061, 12668521, 14635108, 19287194, 22227322, 23867994, 26047621, 30386727, 31446751, 32042454, 35743707, 36140787, 36383556, 36873653). This variant has not been identified in the general population by the Genome Aggregation Database (gnomAD). A different missense variant affecting the same codon, p.Arg112His, is considered to be disease-causing (ClinVar variation ID: 195028), suggesting that arginine at this position is important for GLA protein function. Based on the available evidence, this variant is classified as Pathogenic.

All of Us Research Program, National Institutes of Health
Classification: Pathogenic for Fabry disease. Last evaluated: 2023-10-09. Review status: criteria provided, single submitter. Criteria: ACMG Guidelines, 2015. Collection method: clinical testing. Allele origin: germline. Inheritance: X-linked inheritance. Observed: 1 variant allele, 1 heterozygote.
Comment: Well-established functional studies suggest that this variant results in a deleterious effect to the protein that is sufficient to be disease-causing (PMID: 14635108, 19287194, 23935525). This variant has been reported in multiple individuals with Fabry disease (PMID: 1315715, 14635108, 18205205, 19287194, 21598360, 23935525, 36873653, 36383556, 36140787, 35743707). This variant is absent from large population databases, including the Genome Aggregation Database. A different missense substitution at this amino acid residue has been previously reported in individuals with disease and classified as pathogenic, which supports the functional importance of this position. This variant is predicted to be deleterious by in silico analysis.

This study involves interpretation of variants in research participants for the purpose of population health screening. Participant phenotype was not available at the time of variant classification. Additional details can be found in publication PMID: 35346344, PMCID: PMC8962531

Blueprint Genetics
Classification: Pathogenic for GLA-related disorders. Last evaluated: 2022-02-23. Review status: criteria provided, single submitter. Criteria: ACMG Guidelines, 2015. Collection method: clinical testing. Allele origin: germline. Affected: yes. Observed: 5 variant alleles.

Fulgent Genetics
Classification: Pathogenic for Fabry disease. Last evaluated: 2021-12-28. Review status: criteria provided, single submitter. Criteria: ACMG Guidelines, 2015. Collection method: clinical testing. Allele origin: unknown.

Ambry Genetics
Classification: Pathogenic for Cardiovascular phenotype. Last evaluated: 2021-07-20. Review status: criteria provided, single submitter. Criteria: Ambry Variant Classification Scheme 2023. Collection method: clinical testing. Allele origin: germline.
Comment: The p.R112C pathogenic mutation (also known as c.334C>T), located in coding exon 2 of the GLA gene, results from a C to T substitution at nucleotide position 334. The arginine at codon 112 is replaced by cysteine, an amino acid with highly dissimilar properties. This alteration has been reported in numerous Fabry disease cohorts in individuals shown to be clinically affected (Germain DP et al. Mol Med, 2002 Jun;8:306-12; Lee BH et al. J Hum Genet, 2010 Aug;55:512-7; Wang C et al. Kidney Blood Press Res, 2013 Jun;37:221-8; Frustaci A et al. Circ Arrhythm Electrophysiol, 2015 Aug;8:799-805; Sakuraba H et al. Mol Genet Metab Rep, 2018 Dec;17:73-79; Barman HA et al. Balkan Med J, 2019 10;36:354-358; Militaru S et al. Curr Health Sci J, 2019 Sep;45:272-277). Functional studies indicated that cells expressing this alteration demonstrated absent alpha-galactosidase enzyme activity and accumulation of elevated levels of Lyso-Gb3 (Yasuda M et al. Hum Mutat, 2003 Dec;22:486-92; Park JY et al. Exp Mol Med, 2009 Jan;41:1-7; Wu X et al. Hum Mutat, 2011 Aug;32:965-77; Lukas J et al. PLoS Genet, 2013 Aug;9:e1003632). This variant is considered to be rare based on population cohorts in the Genome Aggregation Database (gnomAD). In addition, this alteration is predicted to be deleterious by BayesDel in silico analysis. Based on the supporting evidence, this alteration is interpreted as a disease-causing mutation.

Genome-Nilou Lab
Classification: Pathogenic for Fabry disease. Last evaluated: 2021-07-15. Review status: criteria provided, single submitter. Criteria: ACMG Guidelines, 2015. Collection method: clinical testing. Allele origin: germline. Affected: no.

NM_000169.3(GLA):c.334C>T (p.Arg112Cys)

Genes: GLA (galactosidase alpha; minus strand), RPL36A-HNRNPH2 (RPL36A-HNRNPH2 readthrough; plus strand). Cytogenetic location: Xq22.1.
Variant type: single nucleotide variant.
Coding change: c.334C>T on transcript NM_000169.3 (MANE Select); coding-DNA position 334, C replaced by T.
Protein change: p.Arg112Cys; replaces arginine 112 with cysteine.
Molecular consequence: missense variant. On other transcripts: non-coding transcript variant (3), intron variant (2).
Genome position (GRCh38, 1-based): chrX:101,403,846, G>A on the plus strand (C>T on the coding strand, the complement: GLA is on the minus strand). VCF-style: chrX-101403846-G-A. GRCh37 (hg19) VCF-style: chrX-100658834-G-A.
Other names: R112C; c.301-8090G>A (NM_001199973.2); c.178-8090G>A (NM_001199974.2); c.457C>T, p.Arg153Cys (NM_001406747.1, NM_001406749.1); c.334C>T, p.Arg112Cys (NM_001406748.1); short protein forms R153C.
Identifiers: ClinVar variation 92550 (VCV000092550.31), dbSNP rs104894834, ClinGen allele CA021639.